The following is an entry in ClinVar:

ClinVar aggregate classification (germline): Uncertain significance. Review status: criteria provided, multiple submitters, no conflicts (2 of 4 stars). 3 submissions from 3 submitters: Uncertain significance (3). Last evaluated 2023-09-14.

Conditions:
Cardiovascular phenotype. Identifiers: MedGen CN230736.

gnomAD v4.1: 1 of 1,614,112 alleles (0.000062%); no homozygotes.

Submissions (3):

Ambry Genetics
Classification: Uncertain significance for Cardiovascular phenotype. Last evaluated: 2023-09-14. Review status: criteria provided, single submitter. Criteria: Ambry Variant Classification Scheme 2023. Collection method: clinical testing. Allele origin: germline.
Comment: The p.E702Q variant (also known as c.2104G>C), located in coding exon 16 of the MYH6 gene, results from a G to C substitution at nucleotide position 2104. The glutamic acid at codon 702 is replaced by glutamine, an amino acid with highly similar properties. This amino acid position is conserved. In addition, this alteration is predicted to be deleterious by in silico analysis. Since supporting evidence is limited at this time, the clinical significance of this alteration remains unclear.

Clinical Genetics Laboratory, Skane University Hospital Lund
Classification: Uncertain significance. Last evaluated: 2022-05-27. Review status: criteria provided, single submitter. Criteria: ACMG Guidelines, 2015. Collection method: clinical testing. Allele origin: germline. Affected: yes.

GeneDx
Classification: Uncertain significance. Last evaluated: 2022-02-28. Review status: criteria provided, single submitter. Criteria: GeneDx Variant Classification Process June 2021. Collection method: clinical testing. Allele origin: germline. Affected: yes.
Comment: Has not been previously published as pathogenic or benign to our knowledge; Not observed at significant frequency in large population cohorts (gnomAD); In silico analysis supports that this missense variant has a deleterious effect on protein structure/function

NM_002471.4(MYH6):c.2104G>C (p.Glu702Gln)

Gene: MYH6 (myosin heavy chain 6; minus strand). Cytogenetic location: 14q11.2.
Variant type: single nucleotide variant.
Coding change: c.2104G>C on transcript NM_002471.4 (MANE Select); coding-DNA position 2104, G replaced by C.
Protein change: p.Glu702Gln; replaces glutamic acid 702 with glutamine.
Molecular consequence: missense variant.
Genome position (GRCh38, 1-based): chr14:23,397,027, C>G on the plus strand (G>C on the coding strand, the complement: MYH6 is on the minus strand). VCF-style: chr14-23397027-C-G. GRCh37 (hg19) VCF-style: chr14-23866236-C-G.
Other names: short protein forms E702Q.
Identifiers: ClinVar variation 1704064 (VCV001704064.5), dbSNP rs2502179660, ClinGen allele CA389018799.